The following is an entry in ClinVar:

NM_007294.4(BRCA1):c.2841A>C (p.Lys947Asn)

Gene: BRCA1 (BRCA1 DNA repair associated; minus strand). Cytogenetic location: 17q21.31.
Variant type: single nucleotide variant.
Coding change: c.2841A>C on transcript NM_007294.4 (MANE Select); coding-DNA position 2841, A replaced by C.
Protein change: p.Lys947Asn; replaces lysine 947 with asparagine.
Molecular consequence: missense variant. On other transcripts: intron variant (137).
Genome position (GRCh38, 1-based): chr17:43,092,690, T>G on the plus strand (A>C on the coding strand, the complement: BRCA1 is on the minus strand). VCF-style: chr17-43092690-T-G. GRCh37 (hg19) VCF-style: chr17-41244707-T-G.
Other names: c.2628A>C, p.Lys876Asn (NM_001407571.1, NM_001407853.1, NM_001407894.1 and 9 more transcripts); c.2841A>C, p.Lys947Asn (NM_001407581.1, NM_001407582.1, NM_001407583.1 and 30 more transcripts); c.2838A>C, p.Lys946Asn (NM_001407587.1, NM_001407590.1, NM_001407591.1 and 22 more transcripts); c.2832A>C, p.Lys944Asn (NM_001407646.1, NM_001407647.1); c.2718A>C, p.Lys906Asn (NM_001407648.1, NM_001407664.1, NM_001407665.1 and 19 more transcripts); c.2715A>C, p.Lys905Asn (NM_001407649.1, NM_001407670.1, NM_001407671.1 and 11 more transcripts); c.2763A>C, p.Lys921Asn (NM_001407653.1, NM_001407654.1, NM_001407655.1 and 4 more transcripts); c.2760A>C, p.Lys920Asn (NM_001407659.1, NM_001407660.1, NM_001407661.1 and 1 more transcripts); and 41 more; short protein forms K900N, K947N, K819N, K880N, K899N, K920N, K921N, K779N.
Identifiers: ClinVar variation 1378482 (VCV001378482.9), dbSNP rs864622618, ClinGen allele CA10596306.

ClinVar aggregate classification (germline): Conflicting classifications of pathogenicity. Review status: criteria provided, conflicting classifications (1 of 4 stars). 2 submissions from 2 submitters: Uncertain significance (1); Likely benign (1). Last evaluated 2023-03-23.

Conditions:
Hereditary cancer-predisposing syndrome. Also called: Neoplastic Syndromes, Hereditary; Hereditary Cancer Syndrome; Tumor predisposition; Hereditary neoplastic syndrome. Identifiers: Orphanet 140162, MedGen C0027672, MeSH D009386, MONDO:0015356.
Hereditary breast ovarian cancer syndrome. Also called: Hereditary breast and ovarian cancer; Hereditary breast and/or ovarian cancer syndrome; Hereditary breast and ovarian cancer syndrome; Hereditary breast and ovarian cancer syndrome (HBOC); Breast and ovarian cancer; BRCA1- and BRCA2-Associated Hereditary Breast and Ovarian Cancer. Identifiers: Orphanet 145, MedGen C0677776, MeSH D061325, MONDO:0003582. Disease mechanism: loss of function.

Submissions (2):

University of Washington Department of Laboratory Medicine, University of Washington
Classification: Likely benign for Hereditary cancer-predisposing syndrome. Last evaluated: 2023-03-23. Review status: criteria provided, single submitter. Criteria: Dines et al. (Genet Med. 2020). Collection method: curation. Allele origin: germline.
Comment: Missense variant in a coldspot region where missense variants are very unlikely to be pathogenic (PMID:31911673).

BRCA1 coldspot (exon 11 using historical exon numbering). Reclassification based on statistical prior probability

Labcorp Genetics (formerly Invitae), Labcorp
Classification: Uncertain significance for Hereditary breast ovarian cancer syndrome. Last evaluated: 2021-08-29. Review status: criteria provided, single submitter. Criteria: Invitae Variant Classification Sherloc (09022015). Collection method: clinical testing. Allele origin: germline.
Comment: In summary, the available evidence is currently insufficient to determine the role of this variant in disease. Therefore, it has been classified as a Variant of Uncertain Significance. Advanced modeling of protein sequence and biophysical properties (such as structural, functional, and spatial information, amino acid conservation, physicochemical variation, residue mobility, and thermodynamic stability) performed at Invitae indicates that this missense variant is not expected to disrupt BRCA1 protein function. This variant has not been reported in the literature in individuals affected with BRCA1-related conditions. This variant is not present in population databases (ExAC no frequency). This sequence change replaces lysine with asparagine at codon 947 of the BRCA1 protein (p.Lys947Asn). The lysine residue is moderately conserved and there is a moderate physicochemical difference between lysine and asparagine.